The following is an entry in ClinVar:

ClinVar aggregate classification (germline): Uncertain significance (1 of 4 stars; one submission).

Submission:

Labcorp Genetics (formerly Invitae), Labcorp
Classification: Uncertain significance. Last evaluated: 2022-10-13. Review status: criteria provided, single submitter. Criteria: Invitae Variant Classification Sherloc (09022015). Collection method: clinical testing. Allele origin: germline.
Comment: In summary, the available evidence is currently insufficient to determine the role of this variant in disease. Therefore, it has been classified as a Variant of Uncertain Significance. Experimental studies and prediction algorithms are not available or were not evaluated, and the functional significance of this variant is currently unknown. ClinVar contains an entry for this variant (Variation ID: 1052887). This variant has not been reported in the literature in individuals affected with BBIP1-related conditions. This variant is not present in population databases (gnomAD no frequency). This sequence change results in a frameshift in the BBIP1 gene (p.Met69Asnfs*29). While this is not anticipated to result in nonsense mediated decay, it is expected to disrupt the last 24 amino acid(s) of the BBIP1 protein and extend the protein by 4 additional amino acid residues.

NM_001195305.3(BBIP1):c.205dup (p.Met69fs)

Gene: BBIP1 (BBSome interacting protein 1; minus strand). Cytogenetic location: 10q25.2.
Variant type: Duplication.
Coding change: c.205dup on transcript NM_001195305.3 (MANE Select); coding-DNA position 205, one base duplicated (A; older notation c.205dupA).
Protein change: p.Met69fs; shifts the reading frame from methionine 69.
Molecular consequence: frameshift variant. On other transcripts: 3 prime UTR variant (1).
Genome position (GRCh38, 1-based): chr10:110,900,434, T duplicated on the plus strand (A on the coding strand, the reverse complement: BBIP1 is on the minus strand); the first of 4 consecutive T bases (chr10:110,900,434-110,900,437); duplicating any one gives the same sequence. VCF-style (leftmost placement, unchanged base first): chr10-110900433-A-AT. GRCh37 (hg19) VCF-style: chr10-112660191-A-AT.
Other names: c.*50dup (NM_001195304.2); c.205dup, p.Met69fs (NM_001195306.2); c.130dup, p.Met44fs (NM_001195307.2); c.139dup, p.Met47fs (NM_001243783.3); short protein forms M44fs, M47fs, M69fs.
Identifiers: ClinVar variation 1052887 (VCV001052887.7), dbSNP rs2134015708, ClinGen allele CA2499220165.